The following is an entry in ClinVar:

ClinVar aggregate classification (germline): Likely pathogenic (1 of 4 stars; one submission).

Conditions:
Compton-North congenital myopathy (CMYO12). Identifiers: Orphanet 210163, MedGen C2675527, MONDO:0012929, OMIM 612540.

gnomAD v4.1: 1 of 1,611,666 alleles (0.000062%); highest among the groups gnomAD compares: South Asian, 0.0011%; no homozygotes.

Submission:

Labcorp Genetics (formerly Invitae), Labcorp
Classification: Likely pathogenic for Compton-North congenital myopathy. Last evaluated: 2018-06-07. Review status: criteria provided, single submitter. Criteria: Invitae Variant Classification Sherloc (09022015). Collection method: clinical testing. Allele origin: germline.
Comment: This sequence change affects a donor splice site in intron 14 of the CNTN1 gene. It is expected to disrupt RNA splicing and likely results in an absent or disrupted protein product. This variant is not present in population databases (ExAC no frequency). This variant has not been reported in the literature in individuals with CNTN1-related disease. Donor and acceptor splice site variants typically lead to a loss of protein function (PMID: 16199547), and loss-of-function variants in CNTN1 are known to be pathogenic (PMID: 19026398, 22242131). In summary, the currently available evidence indicates that the variant is pathogenic, but additional data are needed to prove that conclusively. Therefore, this variant has been classified as Likely Pathogenic.

Literature cited by the submitters: PubMed 16199547; PubMed 19026398; PubMed 22242131.

NM_001843.4(CNTN1):c.1683+1G>A

Gene: CNTN1 (contactin 1; plus strand). Cytogenetic location: 12q12.
Variant type: single nucleotide variant.
Coding change: c.1683+1G>A on transcript NM_001843.4 (MANE Select); the canonical splice donor site of the intron after coding-DNA position 1683, G replaced by A.
Molecular consequence: splice donor variant.
Genome position (GRCh38, 1-based): chr12:40,944,171, G>A. VCF-style: chr12-40944171-G-A. GRCh37 (hg19) VCF-style: chr12-41337973-G-A.
Other names: c.1683+1G>A (NM_001256063.2, NM_001256064.2); c.1650+1G>A (NM_175038.2).
Identifiers: ClinVar variation 469412 (VCV000469412.7), dbSNP rs1555185778, ClinGen allele CA384425188.